The following is an entry in ClinVar:

ClinVar aggregate classification (germline): Uncertain significance (1 of 4 stars; one submission).

Conditions:
Familial sleep-related hypermotor epilepsy. Also called: Autosomal Dominant Sleep-Related Hypermotor (Hyperkinetic) Epilepsy. Identifiers: Orphanet 98784, MedGen C3696898, MONDO:0000030.

gnomAD v4.1: 1 of 1,614,172 alleles (0.000062%); highest among the groups gnomAD compares: Non-Finnish European, 0.000085%; no homozygotes.

Submission:

Labcorp Genetics (formerly Invitae), Labcorp
Classification: Uncertain significance for Familial sleep-related hypermotor epilepsy. Last evaluated: 2022-02-18. Review status: criteria provided, single submitter. Criteria: Invitae Variant Classification Sherloc (09022015). Collection method: clinical testing. Allele origin: germline.
Comment: This sequence change replaces phenylalanine, which is neutral and non-polar, with isoleucine, which is neutral and non-polar, at codon 106 of the PRIMA1 protein (p.Phe106Ile). This variant is not present in population databases (gnomAD no frequency). This variant has not been reported in the literature in individuals affected with PRIMA1-related conditions. Algorithms developed to predict the effect of missense changes on protein structure and function are either unavailable or do not agree on the potential impact of this missense change (SIFT: "Deleterious"; PolyPhen-2: "Probably Damaging"; Align-GVGD: "Class C0"). In summary, the available evidence is currently insufficient to determine the role of this variant in disease. Therefore, it has been classified as a Variant of Uncertain Significance.

NM_178013.4(PRIMA1):c.316T>A (p.Phe106Ile)

Gene: PRIMA1 (proline rich membrane anchor 1; minus strand). Cytogenetic location: 14q32.12.
Variant type: single nucleotide variant.
Coding change: c.316T>A on transcript NM_178013.4 (MANE Select); coding-DNA position 316, T replaced by A.
Protein change: p.Phe106Ile; replaces phenylalanine 106 with isoleucine.
Molecular consequence: missense variant.
Genome position (GRCh38, 1-based): chr14:93,737,284, A>T on the plus strand (T>A on the coding strand, the complement: PRIMA1 is on the minus strand). VCF-style: chr14-93737284-A-T. GRCh37 (hg19) VCF-style: chr14-94203630-A-T.
Other names: short protein forms F106I.
Identifiers: ClinVar variation 2098747 (VCV002098747.4), dbSNP rs201669590, ClinGen allele CA390821088.
Genomic context (GRCh38, chr14:93,737,284, plus strand): 5'-AGTGAGTGAGCACTCACCTTTTTATGGCTTTGTAGCAAATGATGACAAGCACAGTCAGAA[A>T]CACCAGGGAGGCACAGCATACGGCAATGATGATCACCAGCCCCGACCACCAGCTTTCCTC-3'
Protein context (NP_821092.1, residues 96-116): IIAVCCASLV[Phe106Ile]LTVLVIICYK